The following is an entry in ClinVar:

ClinVar aggregate classification (germline): Conflicting classifications of pathogenicity. Review status: criteria provided, conflicting classifications (1 of 4 stars). 7 submissions from 7 submitters: Uncertain significance (1); Benign (1); Likely benign (4). 1 of the submissions does not count toward it. Last evaluated 2026-01-25.

Conditions:
Fraser syndrome 1 (FRASRS1). Also called: CRYPTOPHTHALMOS WITH OTHER MALFORMATIONS. Identifiers: Orphanet 2052, MedGen C4551480, MONDO:0054737, OMIM 219000.
FRAS1-related disorder. Also called: FRAS1-related condition.

Allele frequency attached by ClinVar (database versions not stated): ESP Exome Variant Server 0.00063; gnomAD 0.00080 and 0.00092; TOPMed 0.00093; 1000 Genomes Project 0.00120; gnomAD exomes 0.00122; 1000 Genomes Project 30x 0.00125; ExAC 0.00141.
gnomAD v4.1: 1,351 of 1,611,234 alleles (0.084%); highest among the groups gnomAD compares: Middle Eastern, 1.2%; 6 homozygotes.

Submissions (7):

Labcorp Genetics (formerly Invitae), Labcorp
Classification: Benign. Last evaluated: 2026-01-25. Review status: criteria provided, single submitter. Criteria: Invitae Variant Classification Sherloc (09022015). Collection method: clinical testing. Allele origin: germline.

Blueprint Genetics
Classification: Likely benign. Last evaluated: 2024-11-25. Review status: criteria provided, single submitter. Criteria: ACMG Guidelines, 2015. Collection method: clinical testing. Allele origin: germline.

CeGaT Center for Human Genetics Tuebingen
Classification: Likely benign. Last evaluated: 2024-02-01. Review status: criteria provided, single submitter. Criteria: CeGaT Center For Human Genetics Tuebingen Variant Classification Criteria Version 2. Collection method: clinical testing. Allele origin: germline. Affected: yes. Observed: 1 variant allele.
Comment: FRAS1: BS2

Department of Pathology and Laboratory Medicine, Sinai Health System
Classification: Likely benign for Fraser syndrome 1. Last evaluated: 2020-08-05. Review status: criteria provided, single submitter. Criteria: ACMG Guidelines, 2015. Collection method: research. Allele origin: germline.

Genetic Services Laboratory, University of Chicago
Classification: Uncertain significance. Last evaluated: 2018-11-08. Review status: criteria provided, single submitter. Criteria: ACMG Guidelines, 2015. Collection method: clinical testing. Allele origin: germline. Affected: no.

Illumina Laboratory Services, Illumina
Classification: Likely benign for Fraser syndrome 1. Last evaluated: 2017-04-27. Review status: criteria provided, single submitter. Criteria: ICSL Variant Classification Criteria 13 December 2019. Collection method: clinical testing. Allele origin: germline.
Comment: This variant was observed as part of a predisposition screen in an ostensibly healthy population. A literature search was performed for the gene, cDNA change, and amino acid change (where applicable). No publications were found based on this search. Allele frequency data from public databases allowed determination this variant is unlikely to cause disease. Therefore, this variant is classified as likely benign.

PreventionGenetics, part of Exact Sciences
Classification: Likely benign for FRAS1-related condition. Last evaluated: 2020-01-14. Review status: no assertion criteria provided. Collection method: clinical testing. Allele origin: germline. Not counted in ClinVar's aggregate classification.
Comment: This variant is classified as likely benign based on ACMG/AMP sequence variant interpretation guidelines (Richards et al. 2015 PMID: 25741868, with internal and published modifications).

NM_025074.7(FRAS1):c.9446C>T (p.Thr3149Met)

Gene: FRAS1 (Fraser extracellular matrix complex subunit 1; plus strand). Cytogenetic location: 4q21.21.
Variant type: single nucleotide variant.
Coding change: c.9446C>T on transcript NM_025074.7 (MANE Select); coding-DNA position 9446, C replaced by T.
Protein change: p.Thr3149Met; replaces threonine 3149 with methionine.
Molecular consequence: missense variant.
Genome position (GRCh38, 1-based): chr4:78,507,550, C>T. VCF-style: chr4-78507550-C-T. GRCh37 (hg19) VCF-style: chr4-79428704-C-T.
Other names: short protein forms T3149M.
Identifiers: ClinVar variation 702781 (VCV000702781.41), dbSNP rs150680111, ClinGen allele CA2978663.
Genomic context (GRCh38, chr4:78,507,550, plus strand): 5'-CACTAGTCCTTGGCCCAGATGACCCAGTGGAAGCAGTTCTTGGGGATGTGACTACTGCCA[C>T]GGTGACAATTCTAGACCAGGAGGCAGCAGGGAGCCTCATATTGCCAGCACCACCCATTGT-3'
Protein context (NP_079350.5, residues 3139-3159): EAVLGDVTTA[Thr3149Met]VTILDQEAAG